The following is an entry in ClinVar:

ClinVar aggregate classification (germline): Pathogenic (1 of 4 stars; one submission).

Conditions:
Fanconi anemia (FA). Also called: Fanconi's anemia. Identifiers: Orphanet 84, MedGen C0015625, MeSH D005199, MONDO:0019391.

Submission:

Labcorp Genetics (formerly Invitae), Labcorp
Classification: Pathogenic for Fanconi anemia. Last evaluated: 2024-06-23. Review status: criteria provided, single submitter. Criteria: Invitae Variant Classification Sherloc (09022015). Collection method: clinical testing. Allele origin: germline.
Comment: This sequence change creates a premature translational stop signal (p.Thr1828Leufs*4) in the FANCM gene. It is expected to result in an absent or disrupted protein product. Loss-of-function variants in FANCM are known to be pathogenic (PMID: 29895858, 30075111). This variant is not present in population databases (gnomAD no frequency). This variant has not been reported in the literature in individuals affected with FANCM-related conditions. For these reasons, this variant has been classified as Pathogenic.

Literature cited by the submitters: PubMed 29895858; PubMed 30075111.

NM_020937.4(FANCM):c.5481del (p.Thr1828fs)

Gene: FANCM (FA complementation group M; plus strand). Cytogenetic location: 14q21.2.
Variant type: Deletion.
Coding change: c.5481del on transcript NM_020937.4 (MANE Select); coding-DNA position 5481, one base deleted (C; older notation c.5481delC).
Protein change: p.Thr1828fs; shifts the reading frame from threonine 1828.
Molecular consequence: frameshift variant.
Genome position (GRCh38, 1-based): chr14:45,196,312, C deleted. VCF-style (leftmost placement, unchanged base first): chr14-45196311-TC-T. GRCh37 (hg19) VCF-style: chr14-45665514-TC-T.
Other names: c.5403del, p.Thr1802fs (NM_001308133.2); short protein forms T1802fs, T1828fs.
Identifiers: ClinVar variation 3656906 (VCV003656906.2).